The following is an entry in ClinVar:

ClinVar aggregate classification (germline): Uncertain significance. Review status: criteria provided, multiple submitters, no conflicts (2 of 4 stars). 3 submissions from 3 submitters: Uncertain significance (2). 1 of the submissions does not count toward it. Last evaluated 2025-09-08.

Conditions:
COL4A1-related disorder. Also called: COL4A1-related disorders; COL4A1-related condition. Identifiers: MedGen CN376119, MONDO:0800461.

Allele frequency attached by ClinVar (database versions not stated): gnomAD exomes below 0.00001; TOPMed below 0.00001.
gnomAD v4.1: 6 of 1,610,950 alleles (0.00037%); highest among the groups gnomAD compares: Non-Finnish European, 0.00042%; no homozygotes.

Submissions (3):

Labcorp Genetics (formerly Invitae), Labcorp
Classification: Uncertain significance. Last evaluated: 2025-09-08. Review status: criteria provided, single submitter. Criteria: Invitae Variant Classification Sherloc (09022015). Collection method: clinical testing. Allele origin: germline.
Comment: This sequence change replaces histidine, which is basic and polar, with leucine, which is neutral and non-polar, at codon 1586 of the COL4A1 protein (p.His1586Leu). This variant is not present in population databases (gnomAD no frequency). This variant has not been reported in the literature in individuals affected with COL4A1-related conditions. ClinVar contains an entry for this variant (Variation ID: 585515). Experimental studies and prediction algorithms are not available or were not evaluated, and the functional significance of this variant is currently unknown. This variant disrupts the p.His1586 amino acid residue in COL4A1. Other variant(s) that disrupt this residue have been determined to be pathogenic (PMID: 32515830). This suggests that this residue is clinically significant, and that variants that disrupt this residue are likely to be disease-causing. In summary, the available evidence is currently insufficient to determine the role of this variant in disease. Therefore, it has been classified as a Variant of Uncertain Significance.

Athena Diagnostics
Classification: Uncertain significance. Last evaluated: 2018-06-18. Review status: criteria provided, single submitter. Criteria: Athena Diagnostics Criteria. Collection method: clinical testing. Allele origin: germline.

PreventionGenetics, part of Exact Sciences
Classification: Uncertain significance for COL4A1-related condition. Last evaluated: 2024-06-17. Review status: no assertion criteria provided. Collection method: clinical testing. Allele origin: germline. Not counted in ClinVar's aggregate classification.
Comment: The COL4A1 c.4757A>T variant is predicted to result in the amino acid substitution p.His1586Leu. To our kowledge, this variant has not been reported in the literature. Another variant affecting the same amino acid (c.4756C>A, p.His1586Asn) was reported in a fetus with supra- and infratentorial parenchymal hemorrhage and schizencephaly (Maurice et al 2021. PubMed ID: 32515830). To our knowledge, this variant has not been reported in a large population database, indicating this variant is rare. This variant has an interpretation of uncertain significance in ClinVar. At this time, the clinical significance of this variant is uncertain due to the absence of conclusive functional and genetic evidence.

Literature cited by the submitters: PubMed 32515830 (cited by Labcorp Genetics (formerly Invitae), Labcorp).

NM_001845.6(COL4A1):c.4757A>T (p.His1586Leu)

Gene: COL4A1 (collagen type IV alpha 1 chain; minus strand). Cytogenetic location: 13q34.
Variant type: single nucleotide variant.
Coding change: c.4757A>T on transcript NM_001845.6 (MANE Select); coding-DNA position 4757, A replaced by T.
Protein change: p.His1586Leu; replaces histidine 1586 with leucine.
Molecular consequence: missense variant.
Genome position (GRCh38, 1-based): chr13:110,152,505, T>A on the plus strand (A>T on the coding strand, the complement: COL4A1 is on the minus strand). VCF-style: chr13-110152505-T-A. GRCh37 (hg19) VCF-style: chr13-110804852-T-A.
Other names: c.4757A>T (NM_001845.5); short protein forms H1586L.
Identifiers: ClinVar variation 585515 (VCV000585515.7), dbSNP rs1566332829, ClinGen allele CA388654965.